The following is an entry in ClinVar:

ClinVar aggregate classification (germline): Uncertain significance (1 of 4 stars; one submission).

Submission:

GeneDx
Classification: Uncertain significance. Last evaluated: 2026-02-17. Review status: criteria provided, single submitter. Criteria: GeneDx Variant Classification Process June 2021. Collection method: clinical testing. Allele origin: germline.
Comment: Not observed at significant frequency in large population cohorts (gnomAD); In silico analysis suggests that this missense variant does not alter protein structure/function; Has not been previously published as pathogenic or benign to our knowledge

NM_001375524.1(TRRAP):c.2176G>T (p.Ala726Ser)

Gene: TRRAP (transformation/transcription domain associated protein; plus strand). Cytogenetic location: 7q22.1.
Variant type: single nucleotide variant.
Coding change: c.2176G>T on transcript NM_001375524.1 (MANE Select); coding-DNA position 2176, G replaced by T.
Protein change: p.Ala726Ser; replaces alanine 726 with serine.
Molecular consequence: missense variant.
Genome position (GRCh38, 1-based): chr7:98,912,190, G>T. VCF-style: chr7-98912190-G-T. GRCh37 (hg19) VCF-style: chr7-98509813-G-T.
Other names: c.2176G>T, p.Ala726Ser (NM_001244580.2, NM_003496.4); short protein forms A726S.
Identifiers: ClinVar variation 5009668 (VCV005009668.1).
Genomic context (GRCh38, chr7:98,912,190, plus strand): 5'-CTCTCCAACCTGTACCTCAAGCTGTTCAAGCTGGTCTTTGGCTCTGTCTCCCTCTTTGCA[G>T]CTGAAAATGAACAAATGCTGAAGGTAAAGTCCATTTAATCTAAGTAGTGCTTCTGTTCAG-3'
Protein context (NP_001362453.1, residues 716-736): LVFGSVSLFA[Ala726Ser]ENEQMLKPHL